The following is an entry in ClinVar:

ClinVar aggregate classification (germline): Pathogenic. Review status: criteria provided, single submitter (1 of 4 stars). 2 submissions from 2 submitters: Pathogenic (1). 1 of the submissions does not count toward it. Last evaluated 2021-12-17.

Conditions:
Primary pulmonary hypertension. Also called: Idiopathic pulmonary hypertension. Identifiers: MedGen C0152171.
Pulmonary hypertension, primary, 1 (PPH1). Also called: Pulmonary hypertension, familial primary, 1, with or without HHT. Identifiers: Orphanet 422, MedGen C4552070, MONDO:0024533, OMIM 178600.

Submissions (2):

Labcorp Genetics (formerly Invitae), Labcorp
Classification: Pathogenic for Primary pulmonary hypertension. Last evaluated: 2021-12-17. Review status: criteria provided, single submitter. Criteria: Invitae Variant Classification Sherloc (09022015). Collection method: clinical testing. Allele origin: germline.
Comment: ClinVar contains an entry for this variant (Variation ID: 425957). This premature translational stop signal has been observed in individual(s) with pulmonary arterial hypertension (PMID: 25429696). This variant is not present in population databases (gnomAD no frequency). This sequence change creates a premature translational stop signal (p.Glu509*) in the BMPR2 gene. It is expected to result in an absent or disrupted protein product. Loss-of-function variants in BMPR2 are known to be pathogenic (PMID: 16429395). For these reasons, this variant has been classified as Pathogenic. Algorithms developed to predict the effect of sequence changes on RNA splicing suggest that this variant may create or strengthen a splice site.

Rare Disease Genomics Group, St George's University of London
Classification: Pathogenic for Primary pulmonary hypertension. Review status: no assertion criteria provided. Collection method: literature only. Allele origin: germline. Affected: yes. Not counted in ClinVar's aggregate classification.

Literature cited by the submitters: PubMed 25429696 (cited by Labcorp Genetics (formerly Invitae), Labcorp and Rare Disease Genomics Group, St George's University of London); PubMed 16429395 (cited by Labcorp Genetics (formerly Invitae), Labcorp).

NM_001204.7(BMPR2):c.1525G>T (p.Glu509Ter)

Gene: BMPR2 (bone morphogenetic protein receptor type 2; plus strand). Cytogenetic location: 2q33.2.
Variant type: single nucleotide variant.
Coding change: c.1525G>T on transcript NM_001204.7 (MANE Select); coding-DNA position 1525, G replaced by T.
Protein change: p.Glu509Ter; replaces glutamic acid 509 with a stop codon.
Molecular consequence: nonsense.
Genome position (GRCh38, 1-based): chr2:202,552,827, G>T. VCF-style: chr2-202552827-G-T. GRCh37 (hg19) VCF-style: chr2-203417550-G-T.
Other names: c.1525G>T, p.E509* (LRG_712t1); short protein forms E509*.
Identifiers: ClinVar variation 425957 (VCV000425957.5), dbSNP rs1085307363, ClinGen allele CA350344812.